The following is an entry in ClinVar:

NM_001267550.2(TTN):c.91565-167A>G

Genes: TTN (titin; minus strand), TTN-AS1 (TTN antisense RNA 1; plus strand). Cytogenetic location: 2q31.2.
Variant type: single nucleotide variant.
Coding change: c.91565-167A>G on transcript NM_001267550.2 (MANE Select); 167 bases into the intron before coding-DNA position 91565, A replaced by G.
Molecular consequence: intron variant.
Genome position (GRCh38, 1-based): chr2:178,550,440, T>C on the plus strand (A>G on the coding strand, the complement: TTN is on the minus strand). VCF-style: chr2-178550440-T-C. GRCh37 (hg19) VCF-style: chr2-179415167-T-C.
Other names: c.64370-167A>G (NM_003319.4); c.64946-167A>G (NM_133437.4); c.64745-167A>G (NM_133432.3); c.83861-167A>G (NM_133378.4); c.86642-167A>G (NM_001256850.1).
Identifiers: ClinVar variation 674600 (VCV000674600.2), dbSNP rs16866396, ClinGen allele CA60976429.

ClinVar aggregate classification (germline): Likely benign. Review status: criteria provided, multiple submitters, no conflicts (2 of 4 stars). 2 submissions from 2 submitters: Likely benign (2). Last evaluated 2018-06-19.

Allele frequency attached by ClinVar (database versions not stated): gnomAD 0.01426 and 0.01567; TOPMed 0.02790; 1000 Genomes Project 0.03474; 1000 Genomes Project 30x 0.03732.
gnomAD v4.1: 8,397 of 593,802 alleles (1.4%); highest among the groups gnomAD compares: Admixed American, 13%; 494 homozygotes.

Submissions (2):

GeneDx
Classification: Likely benign. Last evaluated: 2018-06-19. Review status: criteria provided, single submitter. Criteria: GeneDx Variant Classification (06012015). Collection method: clinical testing. Allele origin: germline. Affected: yes.
Comment: This variant is considered likely benign or benign based on one or more of the following criteria: it is a conservative change, it occurs at a poorly conserved position in the protein, it is predicted to be benign by multiple in silico algorithms, and/or has population frequency not consistent with disease.

Breakthrough Genomics
Classification: Likely benign. Review status: criteria provided, single submitter. Criteria: ACMG Guidelines, 2015. Collection method: not provided. Allele origin: germline. Inheritance: Autosomal recessive inheritance. Affected: yes.